The following is an entry in ClinVar:

NM_002519.3(NPAT):c.2903T>A (p.Val968Asp)

Gene: NPAT (nuclear protein, coactivator of histone transcription; minus strand). Cytogenetic location: 11q22.3.
Variant type: single nucleotide variant.
Coding change: c.2903T>A on transcript NM_002519.3 (MANE Select); coding-DNA position 2903, T replaced by A.
Protein change: p.Val968Asp; replaces valine 968 with aspartic acid.
Molecular consequence: missense variant.
Genome position (GRCh38, 1-based): chr11:108,169,851, A>T on the plus strand (T>A on the coding strand, the complement: NPAT is on the minus strand). VCF-style: chr11-108169851-A-T. GRCh37 (hg19) VCF-style: chr11-108040578-A-T.
Other names: c.2903T>A, p.Val968Asp (NM_001321307.1); short protein forms V968D.
Identifiers: ClinVar variation 3407229 (VCV003407229.1).
Genomic context (GRCh38, chr11:108,169,851, plus strand): 5'-GGGACGGGGAATTGAGGGATACTTCTATTGCATACAGGTGCTGTCAAAGGCATATGAAGA[A>T]CCTGGAAGAGAAAAAGCCATTAATTACACTAAGCTTGAAAAGCATCACCACACCATTTTC-3'
Protein context (NP_002510.2, residues 958-978): GNNFSTPPRQ[Val968Asp]LHMPLTAPVC

ClinVar aggregate classification (germline): Uncertain significance (1 of 4 stars; one submission).

Submission:

Ambry Genetics
Classification: Uncertain significance. Last evaluated: 2024-09-30. Review status: criteria provided, single submitter. Criteria: Ambry Variant Classification Scheme 2023. Collection method: clinical testing. Allele origin: germline.
Comment: The p.V968D variant (also known as c.2903T>A), located in coding exon 15 of the NPAT gene, results from a T to A substitution at nucleotide position 2903. The valine at codon 968 is replaced by aspartic acid, an amino acid with highly dissimilar properties. This amino acid position is conserved. In addition, the in silico prediction for this alteration is inconclusive. Based on the available evidence, the clinical significance of this variant remains unclear.